The following is an entry in ClinVar:

NM_002941.4(ROBO1):c.816A>C (p.Ala272=)

Gene: ROBO1 (roundabout guidance receptor 1; minus strand). Cytogenetic location: 3p12.3.
Variant type: single nucleotide variant.
Coding change: c.816A>C on transcript NM_002941.4 (MANE Select); coding-DNA position 816, A replaced by C.
Protein change: p.Ala272=; no amino-acid change (alanine 272 retained).
Molecular consequence: synonymous variant.
Genome position (GRCh38, 1-based): chr3:78,717,376, T>G on the plus strand (A>C on the coding strand, the complement: ROBO1 is on the minus strand). VCF-style: chr3-78717376-T-G. GRCh37 (hg19) VCF-style: chr3-78766526-T-G.
Other names: c.816A>C (NM_002941.3); c.699A>C, p.Ala233= (NM_001145844.1, NM_001145845.2, NM_133631.4).
Identifiers: ClinVar variation 2724535 (VCV002724535.5), dbSNP rs767162178, ClinGen allele CA2499136.

ClinVar aggregate classification (germline): Likely benign. Review status: criteria provided, single submitter (1 of 4 stars). 2 submissions from 2 submitters: Likely benign (1). 1 of the submissions does not count toward it. Last evaluated 2025-09-15.

Conditions:
ROBO1-related disorder. Also called: ROBO1-related condition.

Allele frequency attached by ClinVar (database versions not stated): ExAC 0.00004; gnomAD 0.00005; gnomAD exomes 0.00004; TOPMed 0.00005.
gnomAD v4.1: 74 of 1,613,602 alleles (0.0046%); highest among the groups gnomAD compares: Middle Eastern, 0.28%; 2 homozygotes.

Submissions (2):

Labcorp Genetics (formerly Invitae), Labcorp
Classification: Likely benign. Last evaluated: 2025-09-15. Review status: criteria provided, single submitter. Criteria: Invitae Variant Classification Sherloc (09022015). Collection method: clinical testing. Allele origin: germline.

PreventionGenetics, part of Exact Sciences
Classification: Likely benign for ROBO1-related condition. Last evaluated: 2019-06-21. Review status: no assertion criteria provided. Collection method: clinical testing. Allele origin: germline. Not counted in ClinVar's aggregate classification.
Comment: This variant is classified as likely benign based on ACMG/AMP sequence variant interpretation guidelines (Richards et al. 2015 PMID: 25741868, with internal and published modifications).